The following is an entry in ClinVar:

NM_006073.4(TRDN):c.1832G>C (p.Gly611Ala)

Gene: TRDN (triadin; minus strand). Cytogenetic location: 6q22.31.
Variant type: single nucleotide variant.
Coding change: c.1832G>C on transcript NM_006073.4 (MANE Select); coding-DNA position 1832, G replaced by C.
Protein change: p.Gly611Ala; replaces glycine 611 with alanine.
Molecular consequence: missense variant.
Genome position (GRCh38, 1-based): chr6:123,259,662, C>G on the plus strand (G>C on the coding strand, the complement: TRDN is on the minus strand). VCF-style: chr6-123259662-C-G. GRCh37 (hg19) VCF-style: chr6-123580807-C-G.
Other names: short protein forms G611A.
Identifiers: ClinVar variation 3973130 (VCV003973130.1).

ClinVar aggregate classification (germline): Uncertain significance (1 of 4 stars; one submission).

Conditions:
Cardiovascular phenotype. Identifiers: MedGen CN230736.

Submission:

Ambry Genetics
Classification: Uncertain significance for Cardiovascular phenotype. Last evaluated: 2025-06-07. Review status: criteria provided, single submitter. Criteria: Ambry Variant Classification Scheme 2023. Collection method: clinical testing. Allele origin: germline.
Comment: The p.G611A variant (also known as c.1832G>C) is located in coding exon 35 of the TRDN gene. The glycine at codon 611 is replaced by alanine, an amino acid with similar properties. This change occurs in the first base pair of coding exon 35. This amino acid position is conserved. In addition, this alteration is predicted to be tolerated by in silico analysis. Based on the available evidence, the clinical significance of this variant remains unclear.